The following is an entry in ClinVar:

ClinVar aggregate classification (germline): Uncertain significance (1 of 4 stars; one submission).

Conditions:
Renal coloboma syndrome (PAPRS). Also called: COLOBOMA OF OPTIC NERVE WITH RENAL DISEASE; OPTIC COLOBOMA, VESICOURETERAL REFLUX, AND RENAL ANOMALIES; OPTIC NERVE COLOBOMA WITH RENAL DISEASE; PAPILLORENAL SYNDROME; RENAL-COLOBOMA SYNDROME WITH MACULAR ABNORMALITIES; PAPILLORENAL SYNDROME WITH MILD OCULAR ABNORMALITIES. Identifiers: Orphanet 1475, MedGen C1852759, MONDO:0007352, OMIM 120330.
Focal segmental glomerulosclerosis 7 (FSGS7). Identifiers: Orphanet 656, MedGen C4014925, MONDO:0014451, OMIM 616002.

Submission:

Labcorp Genetics (formerly Invitae), Labcorp
Classification: Uncertain significance for Renal coloboma syndrome; Focal segmental glomerulosclerosis 7. Last evaluated: 2024-10-08. Review status: criteria provided, single submitter. Criteria: Invitae Variant Classification Sherloc (09022015). Collection method: clinical testing. Allele origin: germline.
Comment: This sequence change falls in intron 3 of the PAX2 gene. It does not directly change the encoded amino acid sequence of the PAX2 protein. This variant is not present in population databases (gnomAD no frequency). This variant has not been reported in the literature in individuals affected with PAX2-related conditions. Algorithms developed to predict the effect of sequence changes on RNA splicing suggest that this variant may disrupt the consensus splice site. In summary, the available evidence is currently insufficient to determine the role of this variant in disease. Therefore, it has been classified as a Variant of Uncertain Significance.

NM_000278.5(PAX2):c.411-11C>A

Gene: PAX2 (paired box 2; plus strand). Cytogenetic location: 10q24.31.
Variant type: single nucleotide variant.
Coding change: c.411-11C>A on transcript NM_000278.5 (MANE Select); 11 bases into the intron before coding-DNA position 411, C replaced by A.
Molecular consequence: intron variant.
Genome position (GRCh38, 1-based): chr10:100,779,487, C>A. VCF-style: chr10-100779487-C-A. GRCh37 (hg19) VCF-style: chr10-102539244-C-A.
Other names: c.504-11C>A (NM_001304569.2); c.411-11C>A (NM_003987.5, NM_003990.5, NM_003988.5 and 1 more transcripts).
Identifiers: ClinVar variation 3759394 (VCV003759394.2).